The following is an entry in ClinVar:

NM_000531.6(OTC):c.451C>G (p.Leu151Val)

Gene: OTC (ornithine transcarbamylase; plus strand). Cytogenetic location: Xp11.4.
Variant type: single nucleotide variant.
Coding change: c.451C>G on transcript NM_000531.6 (MANE Select); coding-DNA position 451, C replaced by G.
Protein change: p.Leu151Val; replaces leucine 151 with valine.
Molecular consequence: missense variant.
Genome position (GRCh38, 1-based): chrX:38,401,339, C>G. VCF-style: chrX-38401339-C-G. GRCh37 (hg19) VCF-style: chrX-38260592-C-G.
Other names: c.451C>G, p.Leu151Val (NM_001407092.1); short protein forms L151V.
Identifiers: ClinVar variation 4756316 (VCV004756316.1).
Genomic context (GRCh38, chrX:38,401,339, plus strand): 5'-TTGTCTAGCATGGCAGATGCAGTATTGGCTCGAGTGTATAAACAATCAGATTTGGACACC[C>G]TGGCTAAAGAAGCATCCATCCCAATTATCAATGGGCTGTCAGATTTGTACCATCCTATCC-3'
Protein context (NP_000522.3, residues 141-161): RVYKQSDLDT[Leu151Val]AKEASIPIIN

ClinVar aggregate classification (germline): Uncertain significance (1 of 4 stars; one submission).

Conditions:
Ornithine carbamoyltransferase deficiency (OTCD). Also called: ORNITHINE TRANSCARBAMYLASE DEFICIENCY; ORNITHINE TRANSCARBAMYLASE DEFICIENCY, HYPERAMMONEMIA DUE TO; OTC DEFICIENCY; Ornithine Carbamoyltransferase Deficiency Disease. Identifiers: Orphanet 664, MedGen C0268542, MONDO:0010703, OMIM 311250.

Submission:

Color Diagnostics, LLC DBA Color Health
Classification: Uncertain significance for Ornithine carbamoyltransferase deficiency. Last evaluated: 2025-09-08. Review status: criteria provided, single submitter. Criteria: ACMG Guidelines, 2015. Collection method: clinical testing. Allele origin: germline.
Comment: This missense variant replaces leucine with valine at codon 151 of the OTC protein. Computational prediction suggests that this variant may have deleterious impact on protein structure and function. To our knowledge, functional studies have not been reported for this variant. This variant has not been reported in individuals affected with OTC-related disorders in the literature. This variant has not been identified in the general population by the Genome Aggregation Database (gnomAD). The available evidence is insufficient to determine the role of this variant in disease conclusively. Therefore, this variant is classified as a Variant of Uncertain Significance.